The following is an entry in ClinVar:

NM_024753.5(TTC21B):c.3264-230A>G

Gene: TTC21B (tetratricopeptide repeat domain 21B; minus strand). Cytogenetic location: 2q24.3.
Variant type: single nucleotide variant.
Coding change: c.3264-230A>G on transcript NM_024753.5 (MANE Select); 230 bases into the intron before coding-DNA position 3264, A replaced by G.
Molecular consequence: intron variant.
Genome position (GRCh38, 1-based): chr2:165,888,704, T>C on the plus strand (A>G on the coding strand, the complement: TTC21B is on the minus strand). VCF-style: chr2-165888704-T-C. GRCh37 (hg19) VCF-style: chr2-166745214-T-C.
Identifiers: ClinVar variation 670807 (VCV000670807.1), dbSNP rs1529648, ClinGen allele CA15197603.

ClinVar aggregate classification (germline): Benign (1 of 4 stars; one submission).

Allele frequency attached by ClinVar (database versions not stated): 1000 Genomes Project 30x 0.19988; 1000 Genomes Project 0.20048; TOPMed 0.25222; gnomAD 0.25366 and 0.25381.
gnomAD v4.1: 38,822 of 152,122 alleles (26%); highest among the groups gnomAD compares: Middle Eastern, 44%; 5,563 homozygotes.

Submission:

GeneDx
Classification: Benign. Last evaluated: 2018-06-14. Review status: criteria provided, single submitter. Criteria: GeneDx Variant Classification (06012015). Collection method: clinical testing. Allele origin: germline. Affected: yes.
Comment: This variant is considered likely benign or benign based on one or more of the following criteria: it is a conservative change, it occurs at a poorly conserved position in the protein, it is predicted to be benign by multiple in silico algorithms, and/or has population frequency not consistent with disease.